The following is an entry in ClinVar:

ClinVar aggregate classification (germline): Benign/Likely benign. Review status: criteria provided, multiple submitters, no conflicts (2 of 4 stars). 7 submissions from 7 submitters: Benign (4); Likely benign (3). Last evaluated 2026-07-01.

Conditions:
Primary familial polycythemia due to EPO receptor mutation. Also called: ERYTHROCYTOSIS, SOMATIC; Erythrocytosis, familial, 1; Primary Familial Congenital Polycythemia; POLYCYTHEMIA, PRIMARY FAMILIAL AND CONGENITAL. Identifiers: Orphanet 90042, MedGen C4551637, MONDO:0007572, OMIM 133100.

Allele frequency attached by ClinVar (database versions not stated): gnomAD 0.00013; TOPMed 0.00033; ESP Exome Variant Server 0.00046; 1000 Genomes Project 0.00140; 1000 Genomes Project 30x 0.00172.
gnomAD v4.1: 806 of 1,610,904 alleles (0.05%); highest among the groups gnomAD compares: Middle Eastern, 1.1%; 6 homozygotes.

Submissions (7):

CeGaT Center for Human Genetics Tuebingen
Classification: Likely benign. Last evaluated: 2026-07-01. Review status: criteria provided, single submitter. Criteria: CeGaT Center For Human Genetics Tuebingen Variant Classification Criteria Version 2. Collection method: clinical testing. Allele origin: germline. Affected: yes. Observed: 2 variant alleles.
Comment: EPOR: BP4, BP7

Mayo Clinic Laboratories, Mayo Clinic
Classification: Likely benign. Last evaluated: 2025-09-30. Review status: criteria provided, single submitter. Criteria: ACMG Guidelines, 2015. Collection method: clinical testing. Allele origin: germline. Observed: 2 variant alleles.
Comment: BS1, BP4, BP7

ARUP Laboratories, Molecular Genetics and Genomics, ARUP Laboratories
Classification: Benign for Primary familial polycythemia due to EPO receptor mutation. Last evaluated: 2025-04-16. Review status: criteria provided, single submitter. Criteria: ARUP Molecular Germline Variant Investigation Process 2024. Collection method: clinical testing. Allele origin: germline.

Labcorp Genetics (formerly Invitae), Labcorp
Classification: Benign. Last evaluated: 2025-03-13. Review status: criteria provided, single submitter. Criteria: Invitae Variant Classification Sherloc (09022015). Collection method: clinical testing. Allele origin: germline.

Blueprint Genetics
Classification: Likely benign. Last evaluated: 2024-11-20. Review status: criteria provided, single submitter. Criteria: ACMG Guidelines, 2015. Collection method: clinical testing. Allele origin: germline.

Illumina Laboratory Services, Illumina
Classification: Benign for Primary familial polycythemia due to EPO receptor mutation. Last evaluated: 2018-01-13. Review status: criteria provided, single submitter. Criteria: ICSL Variant Classification Criteria 13 December 2019. Collection method: clinical testing. Allele origin: germline.
Comment: This variant was observed in the ICSL laboratory as part of a predisposition screen in an ostensibly healthy population. It had not been previously curated by ICSL or reported in the Human Gene Mutation Database (HGMD: prior to June 1st, 2018), and was therefore a candidate for classification through an automated scoring system. Utilizing variant allele frequency, disease prevalence and penetrance estimates, and inheritance mode, an automated score was calculated to assess if this variant is too frequent to cause the disease. Based on the score and internal cut-off values, a variant classified as benign is not then subjected to further curation. The score for this variant resulted in a classification of benign for this disease.

Breakthrough Genomics
Classification: Benign. Review status: criteria provided, single submitter. Criteria: ACMG Guidelines, 2015. Collection method: not provided. Allele origin: germline. Inheritance: Autosomal dominant inheritance. Affected: yes.

NM_000121.4(EPOR):c.558C>T (p.Ala186=)

Gene: EPOR (erythropoietin receptor; minus strand). Cytogenetic location: 19p13.2.
Variant type: single nucleotide variant.
Coding change: c.558C>T on transcript NM_000121.4 (MANE Select); coding-DNA position 558, C replaced by T.
Protein change: p.Ala186=; no amino-acid change (alanine 186 retained).
Molecular consequence: synonymous variant. On other transcripts: non-coding transcript variant (1).
Genome position (GRCh38, 1-based): chr19:11,381,719, G>A on the plus strand (C>T on the coding strand, the complement: EPOR is on the minus strand). VCF-style: chr19-11381719-G-A. GRCh37 (hg19) VCF-style: chr19-11492395-G-A.
Other names: p.Ala186=.
Identifiers: ClinVar variation 328151 (VCV000328151.36), dbSNP rs377322757, ClinGen allele CA9210736.
Genomic context (GRCh38, chr19:11,381,719, plus strand): 5'-CTTTGGGGGCTGGGCCGTAGGGGCTGGCCTCACCCTCTGTACGCTCCCTGCGCCGTTGCC[G>A]GCCGAGACGTCCACCTCGTAGCGGATGTGAGACGTCATGGGTGTCTCAGGCGGCGGGAGC-3'
Protein context (NP_000112.1, residues 176-196): SHIRYEVDVS[Ala186=]GNGAGSVQRV